The following is an entry in ClinVar:

NM_000373.4(UMPS):c.254T>C (p.Ile85Thr)

Gene: UMPS (uridine monophosphate synthetase; plus strand). Cytogenetic location: 3q21.2.
Variant type: single nucleotide variant.
Coding change: c.254T>C on transcript NM_000373.4 (MANE Select); coding-DNA position 254, T replaced by C.
Protein change: p.Ile85Thr; replaces isoleucine 85 with threonine.
Molecular consequence: missense variant. On other transcripts: non-coding transcript variant (1).
Genome position (GRCh38, 1-based): chr3:124,735,190, T>C. VCF-style: chr3-124735190-T-C. GRCh37 (hg19) VCF-style: chr3-124454037-T-C.
Other names: p.Ile85Thr; c.254T>C (NM_000373.3); short protein forms I85T.
Identifiers: ClinVar variation 1022377 (VCV001022377.8), dbSNP rs1056229313, ClinGen allele CA83054429.

ClinVar aggregate classification (germline): Uncertain significance. Review status: criteria provided, multiple submitters, no conflicts (2 of 4 stars). 3 submissions from 3 submitters: Uncertain significance (3). Last evaluated 2026-07-28.

Conditions:
Hereditary orotic aciduria. Also called: UMP SYNTHASE DEFICIENCY; UMPS DEFICIENCY; OPRT AND ODC DEFICIENCY; OROTIC ACIDURIA I; OROTIDYLIC PYROPHOSPHORYLASE AND OROTIDYLIC DECARBOXYLASE DEFICIENCY; OROTATE PHOSPHORIBOSYLTRANSFERASE AND OROTIDYLIC DECARBOXYLASE DEFICIENCY. Identifiers: Orphanet 30, MedGen C0220987, MONDO:0009797, OMIM 258900.
UMPS-related disorder. Also called: UMPS-related condition.
Hereditary orotic aciduria, type 1. Also called: Orotic aciduria type 1; Oroticaciduria 1. Identifiers: MedGen C0268130.

Allele frequency attached by ClinVar (database versions not stated): gnomAD exomes below 0.00001; TOPMed 0.00001.
gnomAD v4.1: 5 of 1,614,098 alleles (0.00031%); highest among the groups gnomAD compares: Non-Finnish European, 0.00017%; no homozygotes.

Submissions (3):

PreventionGenetics, part of Exact Sciences
Classification: Uncertain significance for UMPS-related condition. Last evaluated: 2026-07-28. Review status: criteria provided, single submitter. Criteria: ACMG Guidelines, 2015. Collection method: clinical testing. Allele origin: germline.
Comment: The UMPS c.254T>C variant is predicted to result in the amino acid substitution p.Ile85Thr. This variant has been noted with another UMPS variant in an individual with biochemical and enzyme activity tests consistent with a diagnosis of autosomal recessive orotic aciduria, although the patient presented with a non-classical phenotype (Grohmann et al. 2015. PubMed ID: 25757096). This variant has been identified in two individuals with suspected orotic aciduria, but a second variant was not identified in either case (Internal Data, PreventionGenetics). This variant is reported in 0.00088% of alleles in individuals of European (non-Finnish) descent in gnomAD and is consistently interpreted as uncertain in ClinVar (Variation ID: 1022377). Although we suspect this variant may be pathogenic, at this time its clinical significance is uncertain due the absence of conclusive functional and genetic evidence.

Molecular Diagnostics Laboratory, M Health Fairview: University of Minnesota
Classification: Uncertain significance for Hereditary orotic aciduria. Last evaluated: 2025-01-10. Review status: criteria provided, single submitter. Criteria: ACMG Guidelines, 2015. Collection method: clinical testing. Allele origin: germline. Affected: yes.
Comment: Confirmed in trans with a second UMPS variant

Labcorp Genetics (formerly Invitae), Labcorp
Classification: Uncertain significance for Hereditary orotic aciduria, type 1. Last evaluated: 2021-08-24. Review status: criteria provided, single submitter. Criteria: Invitae Variant Classification Sherloc (09022015). Collection method: clinical testing. Allele origin: germline.
Comment: This sequence change replaces isoleucine with threonine at codon 85 of the UMPS protein (p.Ile85Thr). The isoleucine residue is moderately conserved and there is a moderate physicochemical difference between isoleucine and threonine. This variant is not present in population databases (ExAC no frequency). This missense change has been observed in individual(s) with hereditary orotic aciduria (PMID: 25757096). Algorithms developed to predict the effect of missense changes on protein structure and function are either unavailable or do not agree on the potential impact of this missense change (SIFT: "Tolerated"; PolyPhen-2: "Possibly Damaging"; Align-GVGD: "Class C0"). In summary, the available evidence is currently insufficient to determine the role of this variant in disease. Therefore, it has been classified as a Variant of Uncertain Significance.

Literature cited by the submitters: PubMed 25757096 (cited by Labcorp Genetics (formerly Invitae), Labcorp).